The following is an entry in ClinVar:

NM_000492.4(CFTR):c.2750A>G (p.Tyr917Cys)

Gene: CFTR (CF transmembrane conductance regulator; plus strand). Cytogenetic location: 7q31.2.
Variant type: single nucleotide variant.
Coding change: c.2750A>G on transcript NM_000492.4 (MANE Select); coding-DNA position 2750, A replaced by G.
Protein change: p.Tyr917Cys; replaces tyrosine 917 with cysteine.
Molecular consequence: missense variant.
Genome position (GRCh38, 1-based): chr7:117,603,624, A>G. VCF-style: chr7-117603624-A-G. GRCh37 (hg19) VCF-style: chr7-117243678-A-G.
Other names: short protein forms Y917C.
Identifiers: ClinVar variation 53558 (VCV000053558.9), dbSNP rs397508428, ClinGen allele CA326911.
Genomic context (GRCh38, chr7:117,603,624, plus strand): 5'-ATAGTAGAAATAACAGCTATGCAGTGATTATCACCAGCACCAGTTCGTATTATGTGTTTT[A>G]CATTTACGTGGGAGTAGCCGACACTTTGCTTGCTATGGGATTCTTCAGAGGTCTACCACT-3'
Protein context (NP_000483.3, residues 907-927): ITSTSSYYVF[Tyr917Cys]IYVGVADTLL

ClinVar aggregate classification (germline): Conflicting classifications of pathogenicity. Review status: criteria provided, conflicting classifications (1 of 4 stars). 5 submissions from 5 submitters: Likely pathogenic (2); Uncertain significance (2). 1 of the submissions does not count toward it. Last evaluated 2026-06-18.

Conditions:
CFTR-related disorder (CFTR-RD). Also called: CFTR-related disorders; CFTR-related condition. Identifiers: MedGen C5924204, MONDO:7770004.
Cystic fibrosis (CF). Also called: MUCOVISCIDOSIS. Identifiers: Orphanet 586, MedGen C0010674, MONDO:0009061, OMIM 219700. Disease mechanism: loss of function.

Submissions (5):

Ambry Genetics
Classification: Likely pathogenic for Cystic fibrosis. Last evaluated: 2026-06-18. Review status: criteria provided, single submitter. Criteria: Ambry Variant Classification Scheme 2023. Collection method: clinical testing. Allele origin: germline.
Comment: The p.Y917C variant (also known as c.2750A>G), located in coding exon 17 of the CFTR gene, results from an A to G substitution at nucleotide position 2750. The tyrosine at codon 917 is replaced by cysteine, an amino acid with highly dissimilar properties. This variant has been identified in individual(s) with features consistent with cystic fibrosis (Hughes DJ et al. Hum Mutat, 1996;8:340-7). In an assay testing CFTR function, this variant showed a functionally abnormal result (Bihler H et al. J Cyst Fibros, 2024 Jul;23:664-675). This amino acid position is highly conserved in available vertebrate species. In addition, this alteration is predicted to be deleterious by in silico analysis. This variant is considered to be rare based on population cohorts in the Genome Aggregation Database (gnomAD). Based on the majority of available evidence to date, this variant is likely to be pathogenic.

Natera, Inc.
Classification: Likely pathogenic for CFTR-related disorders. Last evaluated: 2025-09-24. Review status: criteria provided, single submitter. Criteria: Natera Variant Classification Schema (03/2026). Collection method: clinical testing. Allele origin: germline.
Comment: The c.2750A>G variant in CFTR is a missense variant predicted to cause substitution of tyrosine to cysteine at amino acid 917. This variant is rare in the general population with a frequency below the threshold expected for the associated phenotype(s). This variant has been observed in one or more individuals affected with the associated recessive disease, as either homozygous or compound heterozygous with a second variant (PMID: 27214204). Functional studies show that this variant may disrupt protein function (PMID: 38388235, 30758641). Computational prediction algorithms indicate this variant is likely to affect gene or protein function. Given the available evidence, this variant is classified as Likely Pathogenic.

Labcorp Genetics (formerly Invitae), Labcorp
Classification: Uncertain significance for Cystic fibrosis. Last evaluated: 2021-10-08. Review status: criteria provided, single submitter. Criteria: Invitae Variant Classification Sherloc (09022015). Collection method: clinical testing. Allele origin: germline.
Comment: This sequence change replaces tyrosine with cysteine at codon 917 of the CFTR protein (p.Tyr917Cys). The tyrosine residue is highly conserved and there is a large physicochemical difference between tyrosine and cysteine. This variant is not present in population databases (ExAC no frequency). This variant has been observed in individual(s) with cystic fibrosis (PMID: 27214204). ClinVar contains an entry for this variant (Variation ID: 53558). Algorithms developed to predict the effect of missense changes on protein structure and function are either unavailable or do not agree on the potential impact of this missense change (SIFT: "Deleterious"; PolyPhen-2: "Possibly Damaging"; Align-GVGD: "Class C15"). Experimental studies have shown that this variant affects CFTR function (PMID: 30758641). In summary, the available evidence is currently insufficient to determine the role of this variant in disease. Therefore, it has been classified as a Variant of Uncertain Significance.

Mayo Clinic Laboratories, Mayo Clinic
Classification: Uncertain significance. Last evaluated: 2019-12-26. Review status: criteria provided, single submitter. Criteria: ACMG Guidelines, 2015. Collection method: clinical testing. Allele origin: germline. Observed: 1 variant allele.

ClinVar Staff, National Center for Biotechnology Information (NCBI)
No classification provided. Condition: CFTR-related disorders. Review status: no classification provided. Collection method: literature only. Allele origin: germline. Affected: yes. Not counted in ClinVar's aggregate classification.

Literature cited by the submitters: PubMed 38388235 (cited by Ambry Genetics and Natera, Inc.); PubMed 8956039 (cited by Ambry Genetics and ClinVar Staff, National Center for Biotechnology Information (NCBI)); PubMed 27214204 (cited by Natera, Inc. and Labcorp Genetics (formerly Invitae), Labcorp); PubMed 30758641 (cited by Natera, Inc. and Labcorp Genetics (formerly Invitae), Labcorp).